The following is an entry in ClinVar:

ClinVar aggregate classification (germline): Likely benign. Review status: criteria provided, multiple submitters, no conflicts (2 of 4 stars). 2 submissions from 2 submitters: Likely benign (2). Last evaluated 2026-04-13.

Conditions:
DICER1-related tumor predisposition. Also called: DICER1-related pleuropulmonary blastoma cancer predisposition syndrome; DICER1 syndrome. Identifiers: Orphanet 284343, MedGen C3839822, MONDO:0100216.

gnomAD v4.1: 1 of 1,607,206 alleles (0.000062%); no homozygotes.

Submissions (2):

Myriad Genetics, Inc.
Classification: Likely benign for DICER1-related tumor predisposition. Last evaluated: 2026-04-13. Review status: criteria provided, single submitter. Criteria: Myriad Autosomal Dominant, Autosomal Recessive and X-Linked Classification Criteria (2023). Collection method: clinical testing. Allele origin: unknown.
Comment: This variant is considered likely benign. This variant is intronic and is not expected to impact mRNA splicing.

Labcorp Genetics (formerly Invitae), Labcorp
Classification: Likely benign for DICER1-related tumor predisposition. Last evaluated: 2025-09-10. Review status: criteria provided, single submitter. Criteria: Invitae Variant Classification Sherloc (09022015). Collection method: clinical testing. Allele origin: germline.

NM_177438.3(DICER1):c.2988-11A>G

Gene: DICER1 (dicer 1, ribonuclease III; minus strand). Cytogenetic location: 14q32.13.
Variant type: single nucleotide variant.
Coding change: c.2988-11A>G on transcript NM_177438.3 (MANE Select); 11 bases into the intron before coding-DNA position 2988, A replaced by G.
Molecular consequence: intron variant. On other transcripts: non-coding transcript variant (1).
Genome position (GRCh38, 1-based): chr14:95,105,794, T>C on the plus strand (A>G on the coding strand, the complement: DICER1 is on the minus strand). VCF-style: chr14-95105794-T-C. GRCh37 (hg19) VCF-style: chr14-95572131-T-C.
Other names: c.2988-11A>G (NM_001291628.2, NM_030621.4, NM_001395677.1 and 12 more transcripts); c.2583-11A>G (NM_001395690.1, NM_001395687.1, NM_001395689.1 and 2 more transcripts); c.2706-11A>G (NM_001395686.1); c.2421-11A>G (NM_001395691.1); c.1305-11A>G (NM_001395697.1).
Identifiers: ClinVar variation 4777360 (VCV004777360.2).